The following is an entry in ClinVar:

NM_052947.4(ALPK2):c.343C>A (p.Pro115Thr)

Gene: ALPK2 (alpha kinase 2; minus strand). Cytogenetic location: 18q21.31.
Variant type: single nucleotide variant.
Coding change: c.343C>A on transcript NM_052947.4 (MANE Select); coding-DNA position 343, C replaced by A.
Protein change: p.Pro115Thr; replaces proline 115 with threonine.
Molecular consequence: missense variant.
Genome position (GRCh38, 1-based): chr18:58,580,433, G>T on the plus strand (C>A on the coding strand, the complement: ALPK2 is on the minus strand). VCF-style: chr18-58580433-G-T. GRCh37 (hg19) VCF-style: chr18-56247665-G-T.
Other names: short protein forms P115T.
Identifiers: ClinVar variation 1731446 (VCV001731446.2), dbSNP rs2518900365, ClinGen allele CA402568191.

ClinVar aggregate classification (germline): Uncertain significance (1 of 4 stars; one submission).

Submission:

Ambry Genetics
Classification: Uncertain significance. Last evaluated: 2022-05-07. Review status: criteria provided, single submitter. Criteria: Ambry Variant Classification Scheme 2023. Collection method: clinical testing. Allele origin: germline.
Comment: The p.P115T variant (also known as c.343C>A), located in coding exon 3 of the ALPK2 gene, results from a C to A substitution at nucleotide position 343. The proline at codon 115 is replaced by threonine, an amino acid with highly similar properties. This amino acid position is conserved. In addition, this alteration is predicted to be tolerated by in silico analysis. Since supporting evidence is limited at this time, the clinical significance of this alteration remains unclear.